The following is an entry in ClinVar:

NM_000551.4(VHL):c.242C>T (p.Pro81Leu)

Gene: VHL (von Hippel-Lindau tumor suppressor; plus strand). Cytogenetic location: 3p25.3.
Variant type: single nucleotide variant.
Coding change: c.242C>T on transcript NM_000551.4 (MANE Select); coding-DNA position 242, C replaced by T.
Protein change: p.Pro81Leu; replaces proline 81 with leucine.
Molecular consequence: missense variant.
Genome position (GRCh38, 1-based): chr3:10,142,089, C>T. VCF-style: chr3-10142089-C-T. GRCh37 (hg19) VCF-style: chr3-10183773-C-T.
Other names: c.242C>T, p.Pro81Leu (NM_001354723.2, NM_198156.3); short protein forms P81L.
Identifiers: ClinVar variation 36899 (VCV000036899.59), dbSNP rs193922608, ClinGen allele CA020154.

ClinVar aggregate classification (germline): Pathogenic/Likely pathogenic. Review status: criteria provided, multiple submitters, no conflicts (2 of 4 stars). 13 submissions from 13 submitters: Pathogenic (2); Likely pathogenic (9). 2 of the submissions do not count toward it. Last evaluated 2025-10-21.

Conditions:
Inherited phaeochromocytoma and paraganglioma excluding NF1.
Hereditary cancer-predisposing syndrome. Also called: Neoplastic Syndromes, Hereditary; Tumor predisposition; Hereditary Cancer Syndrome; Hereditary neoplastic syndrome. Identifiers: Orphanet 140162, MedGen C0027672, MeSH D009386, MONDO:0015356.
Chuvash polycythemia. Also called: POLYCYTHEMIA, VHL-DEPENDENT. Identifiers: Orphanet 238557, MedGen C1837915, MONDO:0009892, OMIM 263400.
Von Hippel-Lindau syndrome (VHLS). Also called: Von Hippel-Lindau; VHL syndrome; von Hippel–Lindau syndrome. Identifiers: Orphanet 892, MedGen C0019562, MONDO:0008667, OMIM 193300. Disease mechanism: loss of function.

Allele frequency attached by ClinVar (database versions not stated): TOPMed below 0.00001; ExAC 0.00001; gnomAD 0.00001.
gnomAD v4.1: 3 of 1,604,998 alleles (0.00019%); highest among the groups gnomAD compares: South Asian, 0.0011%; no homozygotes.

Submissions (13):

NHS Central & South Genomic Laboratory Hub
Classification: Likely pathogenic for Inherited phaeochromocytoma and paraganglioma excluding NF1. Last evaluated: 2025-10-21. Review status: criteria provided, single submitter. Criteria: ACMG Guidelines, 2015. Collection method: clinical testing. Allele origin: germline. Affected: yes.

Labcorp Genetics (formerly Invitae), Labcorp
Classification: Pathogenic for Von Hippel-Lindau syndrome; Chuvash polycythemia. Last evaluated: 2025-10-09. Review status: criteria provided, single submitter. Criteria: Invitae Variant Classification Sherloc (09022015). Collection method: clinical testing. Allele origin: germline.
Comment: This sequence change replaces proline, which is neutral and non-polar, with leucine, which is neutral and non-polar, at codon 81 of the VHL protein (p.Pro81Leu). This variant is present in population databases (rs193922608, gnomAD 0.003%). This missense change has been observed in individuals with clinical features of von Hippel-Lindau disease (type 2C: pheochromocytoma and paraganglioma) (PMID: 17102082, 21389259, 22241717, 24134185, 27730413; internal data). ClinVar contains an entry for this variant (Variation ID: 36899). Invitae Evidence Modeling of protein sequence and biophysical properties (such as structural, functional, and spatial information, amino acid conservation, physicochemical variation, residue mobility, and thermodynamic stability) indicates that this missense variant is expected to disrupt VHL protein function with a positive predictive value of 95%. For these reasons, this variant has been classified as Pathogenic.

Ambry Genetics
Classification: Likely pathogenic for Hereditary cancer-predisposing syndrome. Last evaluated: 2025-02-28. Review status: criteria provided, single submitter. Criteria: Ambry Variant Classification Scheme 2023. Collection method: clinical testing. Allele origin: germline.
Comment: The p.P81L variant (also known as c.242C>T), located in coding exon 1 of the VHL gene, results from a C to T substitution at nucleotide position 242. The proline at codon 81 is replaced by leucine, an amino acid with very few similar properties. This alteration has been reported in multiple individuals with diagnoses consistent with of von Hippel-Lindau syndrome (VHL), but not clearly meeting clinical diagnostic criteria; Further, another alteration at this codon, p.P81S (c.241C>T) has been described both as a low-penetrance mutation in VHL type 1 families (Gl&auml;sker S et al. J. Neurol. Neurosurg. Psychiatr. 1999 Dec;67:758-62; Glavac D et al. Hum. Genet. 1996 Sep;98:271-80; Hes FJ et al. J. Med. Genet. 2000 Dec;37:939-43; Kondo K et al. Hum. Mol. Genet. 1995 Dec;4:2233-7; Yoshida M et al. Jpn J Cancer Res. 2000 Feb;90:204-212; Zbar B et al. Hum. Mutat. 1996;8:348-57; Alosi D et al. Curr. Genomics. 2017 Feb;18:93-103) and as a nonpathogenic alteration (Erlic Z et al. J Clin Endocrinol Metab. 2010 Jan;95:308-13). This amino acid position is well conserved in available vertebrate species. In addition, the in silico prediction for this alteration is inconclusive. Based on the majority of available evidence to date, this variant is likely to be pathogenic; however, individuals may not present with classic von Hippel-Lindau syndrome. Clinical correlation is advised.

Color Diagnostics, LLC DBA Color Health
Classification: Likely pathogenic for Von Hippel-Lindau syndrome. Last evaluated: 2024-10-08. Review status: criteria provided, single submitter. Criteria: ACMG Guidelines, 2015. Collection method: clinical testing. Allele origin: germline.
Comment: This missense variant replaces proline with leucine at codon 81 of the VHL protein. Computational prediction suggests that this variant may have deleterious impact on protein structure and function. To our knowledge, functional studies have not been reported for this variant. This variant has been reported in multiple individuals affected with VHL-associated tumor or have a VHL diagnosis (PMID: 17102082, 21389259, 22241717, 24134185, 33219105). This variant has been identified in 1/229958 chromosomes in the general population by the Genome Aggregation Database (gnomAD). Based on the available evidence, this variant is classified as Likely Pathogenic.

All of Us Research Program, National Institutes of Health
Classification: Likely pathogenic for Von Hippel-Lindau syndrome. Last evaluated: 2024-09-03. Review status: criteria provided, single submitter. Criteria: ACMG Guidelines, 2015. Collection method: clinical testing. Allele origin: germline. Inheritance: Autosomal dominant inheritance. Observed: 2 variant alleles, 2 heterozygotes.
Comment: This missense variant replaces proline with leucine at codon 81 of the VHL protein. Computational prediction suggests that this variant may have deleterious impact on protein structure and function (internally defined REVEL score threshold >= 0.7, PMID: 27666373). To our knowledge, functional studies have not been reported for this variant. This variant has been reported in multiple individuals affected with VHL-associated tumor or have a VHL diagnosis (PMID: 17102082, 21389259, 22241717, 24134185, 33219105). This variant has been identified in 1/229958 chromosomes in the general population by the Genome Aggregation Database (gnomAD). Based on the available evidence, this variant is classified as Likely Pathogenic.

This study involves interpretation of variants in research participants for the purpose of population health screening. Participant phenotype was not available at the time of variant classification. Additional details can be found in publication PMID: 35346344, PMCID: PMC8962531

Women's Health and Genetics/Laboratory Corporation of America, LabCorp
Classification: Pathogenic for Von Hippel-Lindau syndrome. Last evaluated: 2024-08-02. Review status: criteria provided, single submitter. Criteria: LabCorp Variant Classification Summary - May 2015. Collection method: clinical testing. Allele origin: germline.
Comment: Variant summary: VHL c.242C>T (p.Pro81Leu) results in a non-conservative amino acid change in the encoded protein sequence. Four of five in-silico tools predict a damaging effect of the variant on protein function. The variant allele was found at a frequency of 4.3e-06 in 229958 control chromosomes. c.242C>T has been reported in the literature in multiple individuals affected with isolated pheochromocytoma and/or paraganglioma and no other features of von Hippel Lindau syndrome (examples: Castellano_2006, Formenti_2011, Piccini_2012, Kim_2013, Lessi_2014,Dilzell_2016, Kim_2022). These data indicate that the variant is very likely to be associated with disease. The following publications have been ascertained in the context of this evaluation (PMID: 17102082, 21389259, 24134185, 24446253, 22241717, 33219105). ClinVar contains an entry for this variant (Variation ID: 36899). Based on the evidence outlined above, the variant was classified as pathogenic.

GeneDx
Classification: Likely pathogenic. Last evaluated: 2024-04-01. Review status: criteria provided, single submitter. Criteria: GeneDx Variant Classification Process June 2021. Collection method: clinical testing. Allele origin: germline. Affected: yes.
Comment: Observed in individuals with isolated pheochromocytoma and/or paraganglioma and no other features of von Hippel Lindau syndrome (PMID: 17102082, 22241717, 24134185, 33219105; ClinVar); Not observed at significant frequency in large population cohorts (gnomAD); In silico analysis supports that this missense variant has a deleterious effect on protein structure/function; Also known as c.455C>T, p.Pro152Leu, and p.Pro122Leu; This variant is associated with the following publications: (PMID: 24446253, 27730413, 29946849, 22241717, 17102082, 24134185, 21389259, 31589614, 36948667, 35466127, 33219105, 36939592, 34906457, 9829911, 18580449, 18446368, 21463266)

Baylor Genetics
Classification: Likely pathogenic for Chuvash polycythemia. Last evaluated: 2023-12-24. Review status: criteria provided, single submitter. Criteria: ACMG Guidelines, 2015. Collection method: clinical testing. Allele origin: unknown.

Revvity Omics, Revvity
Classification: Likely pathogenic. Last evaluated: 2023-09-27. Review status: criteria provided, single submitter. Criteria: ACMG Guidelines, 2015. Collection method: clinical testing. Allele origin: germline.

CeGaT Center for Human Genetics Tuebingen
Classification: Likely pathogenic. Last evaluated: 2022-02-01. Review status: criteria provided, single submitter. Criteria: CeGaT Center For Human Genetics Tuebingen Variant Classification Criteria Version 2. Collection method: clinical testing. Allele origin: germline. Affected: yes. Observed: 1 variant allele.

Laboratorio de Genetica e Diagnostico Molecular, Hospital Israelita Albert Einstein
Classification: Likely pathogenic for Von Hippel-Lindau syndrome. Last evaluated: 2021-03-31. Review status: criteria provided, single submitter. Criteria: ACMG Guidelines, 2015. Collection method: clinical testing. Allele origin: germline.
Comment: ACMG classification criteria: PS3, PS4, PM2, PP3

Clinical Genomics Labs, University Health Network
Classification: Likely pathogenic for Von Hippel-Lindau syndrome. Last evaluated: 2022-02-21. Review status: no assertion criteria provided. Criteria: ACMG Guidelines, 2015. Collection method: clinical testing. Allele origin: germline. Affected: yes. Not counted in ClinVar's aggregate classification.

Genomic Diagnostic Laboratory, Division of Genomic Diagnostics, Children's Hospital of Philadelphia
Classification: Likely pathogenic for Von Hippel-Lindau syndrome. Last evaluated: 2016-02-26. Review status: no assertion criteria provided. Collection method: clinical testing. Allele origin: germline. Observed: 10 variant alleles. Not counted in ClinVar's aggregate classification.

Literature cited by the submitters: PubMed 17102082 (cited by 4 submitters); PubMed 21389259 (cited by 4 submitters); PubMed 22241717 (cited by 4 submitters); PubMed 24134185 (cited by 5 submitters); PubMed 27730413 (cited by Labcorp Genetics (formerly Invitae), Labcorp and Ambry Genetics); PubMed 17159241 (cited by Ambry Genetics); PubMed 19215943 (cited by Ambry Genetics); PubMed 26934580 (cited by Ambry Genetics); PubMed 28503092 (cited by Ambry Genetics); PubMed 29946849 (cited by Ambry Genetics); PubMed 33219105 (cited by 3 submitters); PubMed 24446253 (cited by Women's Health and Genetics/Laboratory Corporation of America, LabCorp).